The following is an entry in ClinVar:

ClinVar aggregate classification (germline): Uncertain significance (1 of 4 stars; one submission).

Submission:

GeneDx
Classification: Uncertain significance. Last evaluated: 2024-04-04. Review status: criteria provided, single submitter. Criteria: GeneDx Variant Classification Process June 2021. Collection method: clinical testing. Allele origin: germline. Affected: yes.
Comment: Not observed at significant frequency in large population cohorts (gnomAD); In silico analysis supports that this missense variant has a deleterious effect on protein structure/function; Has not been previously published as pathogenic or benign to our knowledge

NM_004463.3(FGD1):c.2762G>C (p.Arg921Pro)

Genes: FGD1 (FYVE, RhoGEF and PH domain containing 1; minus strand), TSR2 (TSR2 ribosome maturation factor; plus strand). Cytogenetic location: Xp11.22.
Variant type: single nucleotide variant.
Coding change: c.2762G>C on transcript NM_004463.3 (MANE Select); coding-DNA position 2762, G replaced by C.
Protein change: p.Arg921Pro; replaces arginine 921 with proline.
Molecular consequence: missense variant. On other transcripts: 3 prime UTR variant (5).
Genome position (GRCh38, 1-based): chrX:54,446,233, C>G on the plus strand (G>C on the coding strand, the complement: FGD1 is on the minus strand). VCF-style: chrX-54446233-C-G. GRCh37 (hg19) VCF-style: chrX-54472666-C-G.
Other names: c.*1683C>G (NM_001346789.2, NM_001346790.2, NM_001346791.2 and 2 more transcripts); short protein forms R921P.
Identifiers: ClinVar variation 3371680 (VCV003371680.1).